The following is an entry in ClinVar:

NM_000179.3(MSH6):c.3567A>G (p.Thr1189=)

Gene: MSH6 (mutS homolog 6; plus strand). Cytogenetic location: 2p16.3.
Variant type: single nucleotide variant.
Coding change: c.3567A>G on transcript NM_000179.3 (MANE Select); coding-DNA position 3567, A replaced by G.
Protein change: p.Thr1189=; no amino-acid change (threonine 1189 retained).
Molecular consequence: synonymous variant.
Genome position (GRCh38, 1-based): chr2:47,805,628, A>G. VCF-style: chr2-47805628-A-G. GRCh37 (hg19) VCF-style: chr2-48032767-A-G.
Other names: c.3177A>G, p.Thr1059= (NM_001281492.2); c.2661A>G, p.Thr887= (NM_001281493.2, NM_001281494.2).
Identifiers: ClinVar variation 633317 (VCV000633317.14), dbSNP rs754959739, ClinGen allele CA071398.

ClinVar aggregate classification (germline): Conflicting classifications of pathogenicity. Review status: criteria provided, conflicting classifications (1 of 4 stars). 5 submissions from 5 submitters: Uncertain significance (1); Benign (1); Likely benign (3). Last evaluated 2025-01-07.

Conditions:
Hereditary nonpolyposis colorectal neoplasms. Identifiers: MedGen C0009405, MeSH D003123.
Hereditary cancer-predisposing syndrome. Also called: Tumor predisposition; Neoplastic Syndromes, Hereditary; Hereditary neoplastic syndrome; Hereditary Cancer Syndrome. Identifiers: Orphanet 140162, MedGen C0027672, MeSH D009386, MONDO:0015356.
Lynch syndrome 5 (LYNCH5). Also called: Hereditary non-polyposis colorectal cancer, type 5; Colorectal cancer, hereditary nonpolyposis, type 5. Identifiers: Orphanet 144, MedGen C1833477, MONDO:0013710, OMIM 614350. Disease mechanism: loss of function.

Allele frequency attached by ClinVar (database versions not stated): gnomAD 0.00001; ExAC 0.00002.
gnomAD v4.1: 2 of 1,610,894 alleles (0.00012%); no homozygotes.

Submissions (5):

Myriad Genetics, Inc.
Classification: Benign for Lynch syndrome 5. Last evaluated: 2025-01-07. Review status: criteria provided, single submitter. Criteria: Myriad Autosomal Dominant, Autosomal Recessive and X-Linked Classification Criteria (2023). Collection method: clinical testing. Allele origin: unknown.
Comment: This variant is considered benign. This variant is a silent/synonymous amino acid change and it is not expected to impact splicing.

Quest Diagnostics Nichols Institute San Juan Capistrano
Classification: Uncertain significance. Last evaluated: 2024-06-19. Review status: criteria provided, single submitter. Criteria: Quest Diagnostics criteria. Collection method: clinical testing. Allele origin: unknown.
Comment: The MSH6 c.3567A>G (p.Thr1189=) synonymous variant has not been reported in individuals with MSH6-related conditions in the published literature. The frequency of this variant in the general population, 0.000008 (2/250974 chromosomes (Genome Aggregation Database)), is uninformative in the assessment of its pathogenicity. Analysis of this variant using software algorithms for the prediction of the effect of nucleotide changes on MSH6 mRNA splicing yielded predictions that this variant may result in the gain of a cryptic splice site without affecting the natural splice sites. Based on the available information, we are unable to determine the clinical significance of this variant.

Labcorp Genetics (formerly Invitae), Labcorp
Classification: Likely benign for Hereditary nonpolyposis colorectal neoplasms. Last evaluated: 2024-03-14. Review status: criteria provided, single submitter. Criteria: Invitae Variant Classification Sherloc (09022015). Collection method: clinical testing. Allele origin: germline.

Ambry Genetics
Classification: Likely benign for Hereditary cancer-predisposing syndrome. Last evaluated: 2019-11-20. Review status: criteria provided, single submitter. Criteria: Ambry Variant Classification Scheme 2023. Collection method: clinical testing. Allele origin: germline.

Women's Health and Genetics/Laboratory Corporation of America, LabCorp
Classification: Likely benign. Last evaluated: 2019-08-29. Review status: criteria provided, single submitter. Criteria: LabCorp Variant Classification Summary - May 2015. Collection method: clinical testing. Allele origin: germline.

Literature cited by the submitters: PubMed 18676759 (cited by Quest Diagnostics Nichols Institute San Juan Capistrano).